The following is an entry in ClinVar:

ClinVar aggregate classification (germline): Uncertain significance. Review status: criteria provided, multiple submitters, no conflicts (2 of 4 stars). 2 submissions from 2 submitters: Uncertain significance (2). Last evaluated 2025-04-09.

Conditions:
Severe combined immunodeficiency due to DNA-PKcs deficiency. Also called: IMMUNODEFICIENCY 26 WITH NEUROLOGIC ABNORMALITIES; Immunodeficiency 26 with or without neurologic abnormalities. Identifiers: Orphanet 317425, MedGen C4014833, MONDO:0014423, OMIM 615966.
PRKDC-related disorder. Also called: PRKDC-related condition.

Allele frequency attached by ClinVar (database versions not stated): gnomAD 0.00002; TOPMed 0.00002; ExAC 0.00005; gnomAD exomes 0.00006.
gnomAD v4.1: 40 of 1,613,864 alleles (0.0025%); highest among the groups gnomAD compares: Admixed American, 0.017%; no homozygotes.

Submissions (2):

PreventionGenetics, part of Exact Sciences
Classification: Uncertain significance for PRKDC-related condition. Last evaluated: 2025-04-09. Review status: criteria provided, single submitter. Criteria: ACMG Guidelines, 2015. Collection method: clinical testing. Allele origin: germline.
Comment: The PRKDC c.5845A>G variant is predicted to result in the amino acid substitution p.Ile1949Val. To our knowledge, this variant has not been reported in the literature. This variant is reported in 0.023% of alleles in individuals of Latino descent in gnomAD. At this time, the clinical significance of this variant is uncertain due to the absence of conclusive functional and genetic evidence.

Labcorp Genetics (formerly Invitae), Labcorp
Classification: Uncertain significance for Severe combined immunodeficiency due to DNA-PKcs deficiency. Last evaluated: 2024-10-24. Review status: criteria provided, single submitter. Criteria: Invitae Variant Classification Sherloc (09022015). Collection method: clinical testing. Allele origin: germline.
Comment: This sequence change replaces isoleucine, which is neutral and non-polar, with valine, which is neutral and non-polar, at codon 1949 of the PRKDC protein (p.Ile1949Val). This variant is present in population databases (rs56083215, gnomAD 0.02%). This variant has not been reported in the literature in individuals affected with PRKDC-related conditions. ClinVar contains an entry for this variant (Variation ID: 541999). Invitae Evidence Modeling of protein sequence and biophysical properties (such as structural, functional, and spatial information, amino acid conservation, physicochemical variation, residue mobility, and thermodynamic stability) indicates that this missense variant is not expected to disrupt PRKDC protein function with a negative predictive value of 80%. In summary, the available evidence is currently insufficient to determine the role of this variant in disease. Therefore, it has been classified as a Variant of Uncertain Significance.

NM_006904.7(PRKDC):c.5845A>G (p.Ile1949Val)

Gene: PRKDC (protein kinase, DNA-activated, catalytic subunit; minus strand). Cytogenetic location: 8q11.21.
Variant type: single nucleotide variant.
Coding change: c.5845A>G on transcript NM_006904.7 (MANE Select); coding-DNA position 5845, A replaced by G.
Protein change: p.Ile1949Val; replaces isoleucine 1949 with valine.
Molecular consequence: missense variant.
Genome position (GRCh38, 1-based): chr8:47,862,447, T>C on the plus strand (A>G on the coding strand, the complement: PRKDC is on the minus strand). VCF-style: chr8-47862447-T-C. GRCh37 (hg19) VCF-style: chr8-48775008-T-C.
Other names: c.5845A>G, p.Ile1949Val (NM_001081640.2); short protein forms I1949V.
Identifiers: ClinVar variation 541999 (VCV000541999.8), dbSNP rs56083215, ClinGen allele CA4740557.